The following is an entry in ClinVar:

NM_000277.3(PAH):c.470G>T (p.Arg157Ile)

Gene: PAH (phenylalanine hydroxylase; minus strand). Cytogenetic location: 12q23.2.
Variant type: single nucleotide variant.
Coding change: c.470G>T on transcript NM_000277.3 (MANE Select); coding-DNA position 470, G replaced by T.
Protein change: p.Arg157Ile; replaces arginine 157 with isoleucine.
Molecular consequence: missense variant.
Genome position (GRCh38, 1-based): chr12:102,866,635, C>A on the plus strand (G>T on the coding strand, the complement: PAH is on the minus strand). VCF-style: chr12-102866635-C-A. GRCh37 (hg19) VCF-style: chr12-103260413-C-A.
Other names: NM_000277.2(PAH):c.470G>T; p.Arg157Ile; c.470G>T, p.Arg157Ile (NM_001354304.2); short protein forms R157I.
Identifiers: ClinVar variation 102691 (VCV000102691.5), dbSNP rs199475611, ClinGen allele CA229567.
Genomic context (GRCh38, chr12:102,866,635, plus strand): 5'-CAACAAGCAAGGCAGACTTACTGGCGGTAGTTGTAGGCAATGTCAGCAAACTGCTTCCGT[C>A]TTGCACGGTACACAGGATCTTTAAAACCCTAGGAGAAAAGAGACACCTGATTTTTCAAGG-3'
Protein context (NP_000268.1, residues 147-167): PGFKDPVYRA[Arg157Ile]RKQFADIAYN

ClinVar aggregate classification (germline): Likely pathogenic. Review status: reviewed by expert panel (3 of 4 stars). 3 submissions from 3 submitters: Likely pathogenic (1). 2 of the submissions do not count toward it. Last evaluated 2025-10-12.

Conditions:
Phenylketonuria (PKU). Also called: Phenylketonuria (PKU); FOLLING DISEASE; OLIGOPHRENIA PHENYLPYRUVICA; Phenylketonurias. Identifiers: Orphanet 716, MedGen C0031485, MONDO:0009861, OMIM 261600. Disease mechanism: loss of function.

Submissions (3):

ClinGen PAH Variant Curation Expert Panel
Classification: Likely pathogenic for Phenylketonuria. Last evaluated: 2025-10-12. Review status: reviewed by expert panel. Criteria: ClinGen PAH ACMG Specifications v1. Collection method: curation. Allele origin: germline. Inheritance: Autosomal recessive inheritance.
Comment: The c.470G>T (p.Arg157Ile) variant in PAH has been reported in at least one individual with plasma phenylalanine concentration persistently above 120umol/L (2mg/dL) AND normal urine pterins and normal DHPR activity to exclude a defect of BH4 cofactor metabolism, which is highly specific for Phenylketonuria (PP4_Moderate, PMID: 28754886). Of those individuals, one was compound heterozygous for the variant and a pathogenic variant in unknown phase (PMID: 28754886, PM3_supporting). This variant is absent in from controls in gnomAD v4.1 (PM2_supporting). The computational predictor REVEL gives a score of 0.968, which meets the threshold of 0.932, evidence that correlates with strong impact to PAH function (PP3_Strong). In summary, this variant meets criteria to be classified as likely pathogenic for PAH. PAH-specific ACMG/AMP criteria applied: PP4_moderate, PM2_supporting, PM3_supporting, PP3_strong.

Labcorp Genetics (formerly Invitae), Labcorp
Classification: Likely pathogenic for Phenylketonuria. Last evaluated: 2024-11-05. Review status: criteria provided, single submitter. Criteria: Invitae Variant Classification Sherloc (09022015). Collection method: clinical testing. Allele origin: germline. Not counted in ClinVar's aggregate classification.
Comment: This sequence change replaces arginine, which is basic and polar, with isoleucine, which is neutral and non-polar, at codon 157 of the PAH protein (p.Arg157Ile). This variant is not present in population databases (gnomAD no frequency). This missense change has been observed in individual(s) with hyperphenylalaninemia (PMID: 16256386, 29499199, 32668217). ClinVar contains an entry for this variant (Variation ID: 102691). Invitae Evidence Modeling of protein sequence and biophysical properties (such as structural, functional, and spatial information, amino acid conservation, physicochemical variation, residue mobility, and thermodynamic stability) indicates that this missense variant is expected to disrupt PAH protein function with a positive predictive value of 80%. This variant disrupts the p.Arg157 amino acid residue in PAH. Other variant(s) that disrupt this residue have been determined to be pathogenic (PMID: 16256386, 32668217; internal data). This suggests that this residue is clinically significant, and that variants that disrupt this residue are likely to be disease-causing. In summary, the currently available evidence indicates that the variant is pathogenic, but additional data are needed to prove that conclusively. Therefore, this variant has been classified as Likely Pathogenic.

DeBelle Laboratory for Biochemical Genetics, MUHC/MCH RESEARCH INSTITUTE
No classification provided. Review status: no classification provided. Collection method: not provided. Allele origin: not provided. Not counted in ClinVar's aggregate classification.

Literature cited by the submitters: PubMed 16256386 (cited by Labcorp Genetics (formerly Invitae), Labcorp); PubMed 29499199 (cited by Labcorp Genetics (formerly Invitae), Labcorp); PubMed 32668217 (cited by Labcorp Genetics (formerly Invitae), Labcorp).